The following is an entry in ClinVar:

NM_000553.6(WRN):c.2450G>A (p.Cys817Tyr)

Gene: WRN (WRN RecQ like helicase; plus strand). Cytogenetic location: 8p12.
Variant type: single nucleotide variant.
Coding change: c.2450G>A on transcript NM_000553.6 (MANE Select); coding-DNA position 2450, G replaced by A.
Protein change: p.Cys817Tyr; replaces cysteine 817 with tyrosine.
Molecular consequence: missense variant.
Genome position (GRCh38, 1-based): chr8:31,120,244, G>A. VCF-style: chr8-31120244-G-A. GRCh37 (hg19) VCF-style: chr8-30977760-G-A.
Other names: short protein forms C817Y.
Identifiers: ClinVar variation 2802721 (VCV002802721.3), dbSNP rs774308552, ClinGen allele CA370915153.

ClinVar aggregate classification (germline): Uncertain significance (1 of 4 stars; one submission).

Conditions:
Werner syndrome (WRN). Identifiers: Orphanet 902, MedGen C0043119, MONDO:0010196, OMIM 277700.

Submission:

Labcorp Genetics (formerly Invitae), Labcorp
Classification: Uncertain significance for Werner syndrome. Last evaluated: 2023-11-07. Review status: criteria provided, single submitter. Criteria: Invitae Variant Classification Sherloc (09022015). Collection method: clinical testing. Allele origin: germline.
Comment: This sequence change replaces cysteine, which is neutral and slightly polar, with tyrosine, which is neutral and polar, at codon 817 of the WRN protein (p.Cys817Tyr). This variant is not present in population databases (gnomAD no frequency). This variant has not been reported in the literature in individuals affected with WRN-related conditions. An algorithm developed to predict the effect of missense changes on protein structure and function (PolyPhen-2) suggests that this variant is likely to be disruptive. In summary, the available evidence is currently insufficient to determine the role of this variant in disease. Therefore, it has been classified as a Variant of Uncertain Significance.